The following is an entry in ClinVar:

NM_031272.5(TEX14):c.2877C>T (p.Ser959=)

Gene: TEX14 (testis expressed 14, intercellular bridge forming factor; minus strand). Cytogenetic location: 17q22.
Variant type: single nucleotide variant.
Coding change: c.2877C>T on transcript NM_031272.5 (MANE Select); coding-DNA position 2877, C replaced by T.
Protein change: p.Ser959=; no amino-acid change (serine 959 retained).
Molecular consequence: synonymous variant.
Genome position (GRCh38, 1-based): chr17:58,585,994, G>A on the plus strand (C>T on the coding strand, the complement: TEX14 is on the minus strand). VCF-style: chr17-58585994-G-A. GRCh37 (hg19) VCF-style: chr17-56663355-G-A.
Other names: c.2895C>T, p.Ser965= (NM_001201457.2); c.2877C>T, p.Ser959= (NM_198393.4).
Identifiers: ClinVar variation 3042476 (VCV003042476.2), dbSNP rs1260482588, ClinGen allele CA501072233.
Genomic context (GRCh38, chr17:58,585,994, plus strand): 5'-CGTGTTTTCTGGGCTCCTAATGGGGGGCTGCAGCAGGGCGTCGGGCTCATTTTCAGCCTC[G>A]CTCTCTAAAGTCAGACTACTCTGAGGATGCCAAGGAGGTACTGTGAGCTGTCCAGTAGCT-3'
Protein context (NP_112562.3, residues 949-969): WHPQSSLTLE[Ser959=]EAENEPDALL

ClinVar aggregate classification (germline): Likely benign (0 of 4 stars; one submission).

Conditions:
TEX14-related disorder. Also called: TEX14-related condition.

Allele frequency attached by ClinVar (database versions not stated): gnomAD 0.00001; gnomAD exomes 0.00001.
gnomAD v4.1: 14 of 1,613,864 alleles (0.00087%); highest among the groups gnomAD compares: African/African-American, 0.0027%; no homozygotes.

Submission:

PreventionGenetics, part of Exact Sciences
Classification: Likely benign for TEX14-related condition. Last evaluated: 2019-07-03. Review status: no assertion criteria provided. Collection method: clinical testing. Allele origin: germline.
Comment: This variant is classified as likely benign based on ACMG/AMP sequence variant interpretation guidelines (Richards et al. 2015 PMID: 25741868, with internal and published modifications).